The following is an entry in ClinVar:

ClinVar aggregate classification (germline): Uncertain significance (1 of 4 stars; one submission).

Submission:

GeneDx
Classification: Uncertain significance. Last evaluated: 2025-01-31. Review status: criteria provided, single submitter. Criteria: GeneDx Variant Classification Process June 2021. Collection method: clinical testing. Allele origin: germline. Affected: yes.
Comment: Not observed at significant frequency in large population cohorts (gnomAD); In silico analysis supports that this missense variant has a deleterious effect on protein structure/function; Has not been previously published as pathogenic or benign to our knowledge

NM_024422.6(DSC2):c.1499C>T (p.Thr500Ile)

Gene: DSC2 (desmocollin 2; minus strand). Cytogenetic location: 18q12.1.
Variant type: single nucleotide variant.
Coding change: c.1499C>T on transcript NM_024422.6 (MANE Select); coding-DNA position 1499, C replaced by T.
Protein change: p.Thr500Ile; replaces threonine 500 with isoleucine.
Molecular consequence: missense variant.
Genome position (GRCh38, 1-based): chr18:31,080,117, G>A on the plus strand (C>T on the coding strand, the complement: DSC2 is on the minus strand). VCF-style: chr18-31080117-G-A. GRCh37 (hg19) VCF-style: chr18-28660083-G-A.
Other names: c.1070C>T, p.Thr357Ile (NM_001406506.1, NM_001406507.1); c.1499C>T, p.Thr500Ile (NM_004949.5); short protein forms T357I, T500I.
Identifiers: ClinVar variation 4072587 (VCV004072587.1).